The following is an entry in ClinVar:

ClinVar aggregate classification (germline): Uncertain significance (1 of 4 stars; one submission).

Submission:

Women's Health and Genetics/Laboratory Corporation of America, LabCorp
Classification: Uncertain significance. Last evaluated: 2022-09-14. Review status: criteria provided, single submitter. Criteria: LabCorp Variant Classification Summary - May 2015. Collection method: clinical testing. Allele origin: germline.
Comment: Variant summary: The variant identified by MLPA or other technology involves the duplication of exons 10-11 in the ERCC8 gene. A presumed nomenclature of c.(843+1_844-1)_(1122+1_1123-1)dup has been designated for the purposes of this classification. It has been assumed that this is a tandem duplication in direct orientation (Richardson_GIM_2018, Newman_AJHG_2015). Although exact breakpoints of this duplication are not known, it is expected to result in a large in-frame duplication change in the ERCC8 gene. The variant was absent in 21694 control chromosomes (gnomAD, Structural Variants dataset). The available data on variant occurrences in the general population are insufficient to allow any conclusion about variant significance. To our knowledge, no occurrence of c.(843+1_844-1)_(1122+1_1123-1)dup in individuals affected with Cockayne Syndrome and no experimental evidence demonstrating its impact on protein function have been reported. No clinical diagnostic laboratories have submitted clinical-significance assessments for this variant to ClinVar after 2014. Based on the evidence outlined above, the variant was classified as uncertain significance.

NC_000005.9:g.(60170511_60183266)_(60186914_60194102)dup

Gene: ERCC8 (ERCC excision repair 8, CSA ubiquitin ligase complex subunit; minus strand). Cytogenetic location: 5q12.1.
Variant type: Duplication.
Identifiers: ClinVar variation 1722497 (VCV001722497.1).